The following is an entry in ClinVar:

NM_000435.3(NOTCH3):c.6478C>T (p.Leu2160=)

Gene: NOTCH3 (notch receptor 3; minus strand). Cytogenetic location: 19p13.12.
Variant type: single nucleotide variant.
Coding change: c.6478C>T on transcript NM_000435.3 (MANE Select); coding-DNA position 6478, C replaced by T.
Protein change: p.Leu2160=; no amino-acid change (leucine 2160 retained).
Molecular consequence: synonymous variant.
Genome position (GRCh38, 1-based): chr19:15,161,150, G>A on the plus strand (C>T on the coding strand, the complement: NOTCH3 is on the minus strand). VCF-style: chr19-15161150-G-A. GRCh37 (hg19) VCF-style: chr19-15271961-G-A.
Identifiers: ClinVar variation 3571746 (VCV003571746.1).

ClinVar aggregate classification (germline): Uncertain significance (1 of 4 stars; one submission).

gnomAD v4.1: 1 of 1,539,330 alleles (0.000065%); highest among the groups gnomAD compares: Non-Finnish European, 0.000087%; no homozygotes.

Submission:

Athena Diagnostics
Classification: Uncertain significance. Last evaluated: 2024-03-29. Review status: criteria provided, single submitter. Criteria: Athena Diagnostics Criteria. Collection method: clinical testing. Allele origin: unknown.
Comment: Available data are insufficient to determine the clinical significance of the variant at this time. This variant has not been reported in large, multi-ethnic general populations. Computational tools yielded predictions that this variant is unlikely to have an effect on normal RNA splicing. Greater than 90% of NOTCH3 pathogenic variants associated with CADASIL involve the gain or loss of a cysteine residue within the epidermal growth factor (EGF)-like repeat domain (PMID: 32457593, 20301673).